The following is an entry in ClinVar:

NM_001393797.1(ABCC12):c.2601C>A (p.Val867=)

Gene: ABCC12 (ATP binding cassette subfamily C member 12; minus strand). Cytogenetic location: 16q12.1.
Variant type: single nucleotide variant.
Coding change: c.2601C>A on transcript NM_001393797.1 (MANE Select); coding-DNA position 2601, C replaced by A.
Protein change: p.Val867=; no amino-acid change (valine 867 retained).
Molecular consequence: synonymous variant. On other transcripts: non-coding transcript variant (6).
Genome position (GRCh38, 1-based): chr16:48,105,211, G>T on the plus strand (C>A on the coding strand, the complement: ABCC12 is on the minus strand). VCF-style: chr16-48105211-G-T. GRCh37 (hg19) VCF-style: chr16-48139122-G-T.
Other names: c.2601C>A, p.Val867= (NM_033226.3).
Identifiers: ClinVar variation 4980596 (VCV004980596.1).
Genomic context (GRCh38, chr16:48,105,211, plus strand): 5'-CGTGTCATGCAGAGAGGAGGATGCCATCAGTGTGGTCTTGGTGAAGACGAAGCCTTTGGT[G>T]ACGCCAAACACCAGCATGAACACCATGCTTGCAGTGTACACCCACTGGTACACATGCTGA-3'
Protein context (NP_001380726.1, residues 857-877): ASMVFMLVFG[Val867=]TKGFVFTKTT

ClinVar aggregate classification (germline): Likely benign (1 of 4 stars; one submission).

Conditions:
ABCC12-related condition.

Submission:

PreventionGenetics, part of Exact Sciences
Classification: Likely benign for ABCC12-related condition. Last evaluated: 2026-02-10. Review status: criteria provided, single submitter. Criteria: ACMG Guidelines, 2015. Collection method: clinical testing. Allele origin: germline.
Comment: This variant is classified as likely benign based on ACMG/AMP sequence variant interpretation guidelines (Richards et al. 2015 PMID: 25741868, with internal and published modifications).